The following is an entry in ClinVar:

ClinVar aggregate classification (germline): Uncertain significance. Review status: criteria provided, multiple submitters, no conflicts (2 of 4 stars). 2 submissions from 2 submitters: Uncertain significance (2). Last evaluated 2026-03-31.

Conditions:
EGFR-related lung cancer (EGFR). Identifiers: MedGen CN130014.
Hereditary cancer-predisposing syndrome. Also called: Tumor predisposition; Neoplastic Syndromes, Hereditary; Hereditary Cancer Syndrome; Hereditary neoplastic syndrome. Identifiers: Orphanet 140162, MedGen C0027672, MeSH D009386, MONDO:0015356.

Submissions (2):

Ambry Genetics
Classification: Uncertain significance for Hereditary cancer-predisposing syndrome. Last evaluated: 2026-03-31. Review status: criteria provided, single submitter. Criteria: Ambry Variant Classification Scheme 2023. Collection method: clinical testing. Allele origin: germline.
Comment: The p.A24D variant (also known as c.71C>A), located in coding exon 1 of the EGFR gene, results from a C to A substitution at nucleotide position 71. The alanine at codon 24 is replaced by aspartic acid, an amino acid with dissimilar properties. This amino acid position is well conserved in available vertebrate species. In addition, this alteration is predicted to be tolerated by in silico analysis. Based on the available evidence, the clinical significance of this variant remains unclear.

Labcorp Genetics (formerly Invitae), Labcorp
Classification: Uncertain significance for EGFR-related lung cancer. Last evaluated: 2021-08-06. Review status: criteria provided, single submitter. Criteria: Invitae Variant Classification Sherloc (09022015). Collection method: clinical testing. Allele origin: germline.
Comment: In summary, the available evidence is currently insufficient to determine the role of this variant in disease. Therefore, it has been classified as a Variant of Uncertain Significance. Algorithms developed to predict the effect of missense changes on protein structure and function are either unavailable or do not agree on the potential impact of this missense change (SIFT: "Tolerated"; PolyPhen-2: "Probably Damaging"; Align-GVGD: "Class C0"). This variant has not been reported in the literature in individuals affected with EGFR-related conditions. This variant is not present in population databases (ExAC no frequency). This sequence change replaces alanine with aspartic acid at codon 24 of the EGFR protein (p.Ala24Asp). The alanine residue is weakly conserved and there is a moderate physicochemical difference between alanine and aspartic acid.

NM_005228.5(EGFR):c.71C>A (p.Ala24Asp)

Gene: EGFR (epidermal growth factor receptor; plus strand). Cytogenetic location: 7p11.2.
Variant type: single nucleotide variant.
Coding change: c.71C>A on transcript NM_005228.5 (MANE Select); coding-DNA position 71, C replaced by A.
Protein change: p.Ala24Asp; replaces alanine 24 with aspartic acid.
Molecular consequence: missense variant.
Genome position (GRCh38, 1-based): chr7:55,019,348, C>A. VCF-style: chr7-55019348-C-A. GRCh37 (hg19) VCF-style: chr7-55087041-C-A.
Other names: c.71C>A, p.Ala24Asp (NM_001346897.2, NM_001346898.2, NM_001346899.2 and 4 more transcripts); c.71C>A (NM_005228.3); short protein forms A24D.
Identifiers: ClinVar variation 1510818 (VCV001510818.7), dbSNP rs1786374464, ClinGen allele CA367611286.